The following is an entry in ClinVar:

NM_015102.5(NPHP4):c.2962G>T (p.Ala988Ser)

Gene: NPHP4 (nephrocystin 4; minus strand). Cytogenetic location: 1p36.31.
Variant type: single nucleotide variant.
Coding change: c.2962G>T on transcript NM_015102.5 (MANE Select); coding-DNA position 2962, G replaced by T.
Protein change: p.Ala988Ser; replaces alanine 988 with serine.
Molecular consequence: missense variant. On other transcripts: non-coding transcript variant (1).
Genome position (GRCh38, 1-based): chr1:5,874,956, C>A on the plus strand (G>T on the coding strand, the complement: NPHP4 is on the minus strand). VCF-style: chr1-5874956-C-A. GRCh37 (hg19) VCF-style: chr1-5935016-C-A.
Other names: c.1423G>T, p.Ala475Ser (NM_001291593.2); c.1426G>T, p.Ala476Ser (NM_001291594.2); short protein forms A476S, A988S, A475S.
Identifiers: ClinVar variation 841048 (VCV000841048.9), dbSNP rs770053255, ClinGen allele CA338056249.

ClinVar aggregate classification (germline): Uncertain significance (1 of 4 stars; one submission).

Conditions:
Nephronophthisis. Also called: Juvenile Nephronophthisis. Identifiers: Orphanet 655, MedGen C0687120, MONDO:0019005, HP:0000090.

gnomAD v4.1: 5 of 1,613,342 alleles (0.00031%); highest among the groups gnomAD compares: Non-Finnish European, 0.00042%; no homozygotes.

Submission:

Labcorp Genetics (formerly Invitae), Labcorp
Classification: Uncertain significance for Nephronophthisis. Last evaluated: 2022-07-19. Review status: criteria provided, single submitter. Criteria: Invitae Variant Classification Sherloc (09022015). Collection method: clinical testing. Allele origin: germline.
Comment: This sequence change replaces alanine, which is neutral and non-polar, with serine, which is neutral and polar, at codon 988 of the NPHP4 protein (p.Ala988Ser). This variant is not present in population databases (gnomAD no frequency). This variant has not been reported in the literature in individuals affected with NPHP4-related conditions. ClinVar contains an entry for this variant (Variation ID: 841048). Algorithms developed to predict the effect of missense changes on protein structure and function are either unavailable or do not agree on the potential impact of this missense change (SIFT: "Tolerated"; PolyPhen-2: "Probably Damaging"; Align-GVGD: "Class C0"). In summary, the available evidence is currently insufficient to determine the role of this variant in disease. Therefore, it has been classified as a Variant of Uncertain Significance.